The following is an entry in ClinVar:

ClinVar aggregate classification (germline): Uncertain significance. Review status: criteria provided, multiple submitters, no conflicts (2 of 4 stars). 2 submissions from 2 submitters: Uncertain significance (2). Last evaluated 2025-08-02.

Conditions:
Inborn genetic diseases. Identifiers: MedGen C0950123, MeSH D030342.

Allele frequency attached by ClinVar (database versions not stated): gnomAD exomes 0.00001; gnomAD 0.00003; ExAC 0.00004; TOPMed 0.00005.
gnomAD v4.1: 27 of 1,612,140 alleles (0.0017%); highest among the groups gnomAD compares: East Asian, 0.047%; no homozygotes.

Submissions (2):

Labcorp Genetics (formerly Invitae), Labcorp
Classification: Uncertain significance. Last evaluated: 2025-08-02. Review status: criteria provided, single submitter. Criteria: Invitae Variant Classification Sherloc (09022015). Collection method: clinical testing. Allele origin: germline.
Comment: This sequence change replaces tryptophan, which is neutral and slightly polar, with arginine, which is basic and polar, at codon 1541 of the ANK1 protein (p.Trp1541Arg). This variant is present in population databases (rs772564610, gnomAD 0.07%). This variant has not been reported in the literature in individuals affected with ANK1-related conditions. ClinVar contains an entry for this variant (Variation ID: 2553721). An algorithm developed to predict the effect of missense changes on protein structure and function (PolyPhen-2) suggests that this variant is likely to be disruptive. In summary, the available evidence is currently insufficient to determine the role of this variant in disease. Therefore, it has been classified as a Variant of Uncertain Significance.

Ambry Genetics
Classification: Uncertain significance for Inborn genetic diseases. Last evaluated: 2025-04-30. Review status: criteria provided, single submitter. Criteria: Ambry Variant Classification Scheme 2023. Collection method: clinical testing. Allele origin: germline.

NM_000037.4(ANK1):c.4621T>C (p.Trp1541Arg)

Gene: ANK1 (ankyrin 1; minus strand). Cytogenetic location: 8p11.21.
Variant type: single nucleotide variant.
Coding change: c.4621T>C on transcript NM_000037.4 (MANE Select); coding-DNA position 4621, T replaced by C.
Protein change: p.Trp1541Arg; replaces tryptophan 1541 with arginine.
Molecular consequence: missense variant. On other transcripts: intron variant (1).
Genome position (GRCh38, 1-based): chr8:41,672,829, A>G on the plus strand (T>C on the coding strand, the complement: ANK1 is on the minus strand). VCF-style: chr8-41672829-A-G. GRCh37 (hg19) VCF-style: chr8-41530347-A-G.
Other names: c.4744T>C, p.Trp1582Arg (NM_001142446.2); c.4621T>C, p.Trp1541Arg (NM_020475.3, NM_020476.3); c.4538-403T>C (NM_020477.3); short protein forms W1541R, W1582R.
Identifiers: ClinVar variation 2553721 (VCV002553721.4), dbSNP rs772564610, ClinGen allele CA4727475.